The following is an entry in ClinVar:

NM_017514.5(PLXNA3):c.5565G>A (p.Lys1855=)

Gene: PLXNA3 (plexin A3; plus strand). Cytogenetic location: Xq28.
Variant type: single nucleotide variant.
Coding change: c.5565G>A on transcript NM_017514.5 (MANE Select); coding-DNA position 5565, G replaced by A.
Protein change: p.Lys1855=; no amino-acid change (lysine 1855 retained).
Molecular consequence: synonymous variant.
Genome position (GRCh38, 1-based): chrX:154,472,634, G>A. VCF-style: chrX-154472634-G-A. GRCh37 (hg19) VCF-style: chrX-153700977-G-A.
Identifiers: ClinVar variation 3053946 (VCV003053946.2), dbSNP rs1040005687, ClinGen allele CA337287924.

ClinVar aggregate classification (germline): Likely benign (0 of 4 stars; one submission).

Conditions:
PLXNA3-related disorder. Also called: PLXNA3-related condition.

Allele frequency attached by ClinVar (database versions not stated): TOPMed below 0.00001; gnomAD exomes 0.00001; gnomAD 0.00002.
gnomAD v4.1: 15 of 1,207,908 alleles (0.0012%); highest among the groups gnomAD compares: East Asian, 0.003%; no homozygotes.

Submission:

PreventionGenetics, part of Exact Sciences
Classification: Likely benign for PLXNA3-related condition. Last evaluated: 2021-07-12. Review status: no assertion criteria provided. Collection method: clinical testing. Allele origin: germline.
Comment: This variant is classified as likely benign based on ACMG/AMP sequence variant interpretation guidelines (Richards et al. 2015 PMID: 25741868, with internal and published modifications).